The following is an entry in ClinVar:

NM_002693.3(POLG):c.2689_2690del (p.Trp897fs)

Gene: POLG (DNA polymerase gamma, catalytic subunit; minus strand). Cytogenetic location: 15q26.1.
Variant type: Microsatellite.
Coding change: c.2689_2690del on transcript NM_002693.3 (MANE Select); coding-DNA positions 2689 to 2690, 2 bases deleted (TG; older notation c.2689_2690delTG).
Protein change: p.Trp897fs; shifts the reading frame from tryptophan 897.
Molecular consequence: frameshift variant.
Genome position (GRCh38, 1-based): chr15:89,321,169-89,321,170, CA deleted on the plus strand (TG on the coding strand, the reverse complement: POLG is on the minus strand); deleting any 2 consecutive bases within chr15:89,321,169-89,321,172 gives the same sequence; the c. name uses the placement nearest the transcript's 3' end. VCF-style (leftmost placement, unchanged base first): chr15-89321168-CCA-C. GRCh37 (hg19) VCF-style: chr15-89864399-CCA-C.
Other names: c.2689_2690del, p.Trp897fs (NM_001126131.2); c.2687_2688TG[1], p.Trp897Aspfs (NM_002693.2); c.2689_2690delTG (NM_002693.2); short protein forms W897fs.
Identifiers: ClinVar variation 3346268 (VCV003346268.1).

ClinVar aggregate classification (germline): Likely pathogenic (0 of 4 stars; one submission).

Conditions:
POLG-related disorder. Also called: POLG-Related Spectrum Disorders; POLG-related condition; POLG-Related Disorders. Identifiers: MedGen C4763519.

Submission:

PreventionGenetics, part of Exact Sciences
Classification: Likely pathogenic for POLG-related condition. Last evaluated: 2024-04-05. Review status: no assertion criteria provided. Collection method: clinical testing. Allele origin: germline.
Comment: The POLG c.2689_2690delTG variant is predicted to result in a frameshift and premature protein termination (p.Trp897Aspfs*33). To our knowledge, this variant has not been reported in the literature or in a large population database, indicating this variant is rare. Frameshift variants in POLG are expected to be pathogenic. This variant is interpreted as likely pathogenic.